The following is an entry in ClinVar:

NM_004360.5(CDH1):c.804G>C (p.Lys268Asn)

Gene: CDH1 (cadherin 1; plus strand). Cytogenetic location: 16q22.1.
Variant type: single nucleotide variant.
Coding change: c.804G>C on transcript NM_004360.5 (MANE Select); coding-DNA position 804, G replaced by C.
Protein change: p.Lys268Asn; replaces lysine 268 with asparagine.
Molecular consequence: missense variant. On other transcripts: 5 prime UTR variant (2).
Genome position (GRCh38, 1-based): chr16:68,810,313, G>C. VCF-style: chr16-68810313-G-C. GRCh37 (hg19) VCF-style: chr16-68844216-G-C.
Other names: c.804G>C, p.Lys268Asn (NM_001317184.2); c.-812G>C (NM_001317185.2); c.-1016G>C (NM_001317186.2); short protein forms K268N.
Identifiers: ClinVar variation 4868413 (VCV004868413.1).

ClinVar aggregate classification (germline): Uncertain significance (1 of 4 stars; one submission).

Conditions:
Hereditary cancer-predisposing syndrome. Also called: Neoplastic Syndromes, Hereditary; Tumor predisposition; Hereditary Cancer Syndrome; Hereditary neoplastic syndrome. Identifiers: Orphanet 140162, MedGen C0027672, MeSH D009386, MONDO:0015356.

Submission:

Ambry Genetics
Classification: Uncertain significance for Hereditary cancer-predisposing syndrome. Last evaluated: 2026-05-31. Review status: criteria provided, single submitter. Criteria: Ambry Variant Classification Scheme 2023. Collection method: clinical testing. Allele origin: germline.
Comment: The p.K268N variant (also known as c.804G>C), located in coding exon 6 of the CDH1 gene, results from a G to C substitution at nucleotide position 804. The lysine at codon 268 is replaced by asparagine, an amino acid with similar properties. This amino acid position is conserved. In addition, this alteration is predicted to be tolerated by in silico analysis. Based on the available evidence, the clinical significance of this variant remains unclear.